The following is an entry in ClinVar:

ClinVar aggregate classification (germline): Likely benign. Review status: criteria provided, multiple submitters, no conflicts (2 of 4 stars). 7 submissions from 7 submitters: Likely benign (6). 1 of the submissions does not count toward it. Last evaluated 2026-01-21.

Conditions:
PRX-related disorder. Also called: PRX-Related Disorders; PRX-related condition.
Inborn genetic diseases. Identifiers: MedGen C0950123, MeSH D030342.
Charcot-Marie-Tooth disease type 4. Also called: Charcot-Marie-Tooth disease, type IV; Charcot-Marie-Tooth, Type 4. Identifiers: Orphanet 64749, MedGen C4082197, MONDO:0018995.
Charcot-Marie-Tooth disease. Also called: Charcot-Marie-Tooth Neuropathy; Charcot-Marie-Tooth Hereditary Neuropathy. Identifiers: Orphanet 166, MedGen C0007959, MONDO:0015626.

Allele frequency attached by ClinVar (database versions not stated): gnomAD exomes 0.00002; gnomAD 0.00016; 1000 Genomes Project 0.00040; 1000 Genomes Project 30x 0.00047; ExAC 0.00001.

Submissions (7):

Labcorp Genetics (formerly Invitae), Labcorp
Classification: Likely benign for Charcot-Marie-Tooth disease type 4. Last evaluated: 2026-01-21. Review status: criteria provided, single submitter. Criteria: Invitae Variant Classification Sherloc (09022015). Collection method: clinical testing. Allele origin: germline.

CeGaT Center for Human Genetics Tuebingen
Classification: Likely benign. Last evaluated: 2025-11-01. Review status: criteria provided, single submitter. Criteria: CeGaT Center For Human Genetics Tuebingen Variant Classification Criteria Version 2. Collection method: clinical testing. Allele origin: germline. Affected: yes. Observed: 1 variant allele.
Comment: PRX: BP4, BP7

Blueprint Genetics
Classification: Likely benign. Last evaluated: 2024-02-02. Review status: criteria provided, single submitter. Criteria: ACMG Guidelines, 2015. Collection method: clinical testing. Allele origin: germline.

Ambry Genetics
Classification: Likely benign for Inborn genetic diseases. Last evaluated: 2019-07-11. Review status: criteria provided, single submitter. Criteria: Ambry Variant Classification Scheme 2023. Collection method: clinical testing. Allele origin: germline.

Breakthrough Genomics
Classification: Likely benign. Review status: criteria provided, single submitter. Criteria: ACMG Guidelines, 2015. Collection method: not provided. Allele origin: germline. Inheritance: Autosomal recessive inheritance. Affected: yes.

Molecular Genetics Laboratory, London Health Sciences Centre
Classification: Likely benign for Charcot-Marie-Tooth disease. Review status: criteria provided, single submitter. Criteria: ACMG Guidelines, 2015. Collection method: clinical testing. Allele origin: germline. Affected: yes.

PreventionGenetics, part of Exact Sciences
Classification: Likely benign for PRX-related condition. Last evaluated: 2019-06-24. Review status: no assertion criteria provided. Collection method: clinical testing. Allele origin: germline. Not counted in ClinVar's aggregate classification.
Comment: This variant is classified as likely benign based on ACMG/AMP sequence variant interpretation guidelines (Richards et al. 2015 PMID: 25741868, with internal and published modifications).

NM_181882.3(PRX):c.1578G>A (p.Ser526=)

Gene: PRX (periaxin; minus strand). Cytogenetic location: 19q13.2.
Variant type: single nucleotide variant.
Coding change: c.1578G>A on transcript NM_181882.3 (MANE Select); coding-DNA position 1578, G replaced by A.
Protein change: p.Ser526=; no amino-acid change (serine 526 retained).
Molecular consequence: synonymous variant. On other transcripts: 3 prime UTR variant (1).
Genome position (GRCh38, 1-based): chr19:40,396,774, C>T on the plus strand (G>A on the coding strand, the complement: PRX is on the minus strand). VCF-style: chr19-40396774-C-T. GRCh37 (hg19) VCF-style: chr19-40902681-C-T.
Other names: c.*1783G>A (NM_020956.2).
Identifiers: ClinVar variation 543446 (VCV000543446.25), dbSNP rs567690884, ClinGen allele CA9444237.